The following is an entry in ClinVar:

ClinVar aggregate classification (germline): Uncertain significance. Review status: criteria provided, multiple submitters, no conflicts (2 of 4 stars). 2 submissions from 2 submitters: Uncertain significance (2). Last evaluated 2025-03-27.

Allele frequency attached by ClinVar (database versions not stated): TOPMed below 0.00001; gnomAD 0.00001.
gnomAD v4.1: 1 of 1,611,566 alleles (0.000062%); highest among the groups gnomAD compares: Admixed American, 0.0017%; no homozygotes.

Submissions (2):

GeneDx
Classification: Uncertain significance. Last evaluated: 2025-03-27. Review status: criteria provided, single submitter. Criteria: GeneDx Variant Classification Process June 2021. Collection method: clinical testing. Allele origin: germline. Affected: yes.
Comment: Not observed at significant frequency in large population cohorts (gnomAD); In silico analysis supports that this missense variant has a deleterious effect on protein structure/function; Has not been previously published as pathogenic or benign to our knowledge

Labcorp Genetics (formerly Invitae), Labcorp
Classification: Uncertain significance. Last evaluated: 2024-05-15. Review status: criteria provided, single submitter. Criteria: Invitae Variant Classification Sherloc (09022015). Collection method: clinical testing. Allele origin: germline.
Comment: This sequence change replaces proline, which is neutral and non-polar, with threonine, which is neutral and polar, at codon 697 of the SETD5 protein (p.Pro697Thr). This variant is not present in population databases (gnomAD no frequency). This variant has not been reported in the literature in individuals affected with SETD5-related conditions. ClinVar contains an entry for this variant (Variation ID: 1207774). Advanced modeling of protein sequence and biophysical properties (such as structural, functional, and spatial information, amino acid conservation, physicochemical variation, residue mobility, and thermodynamic stability) performed at Invitae indicates that this missense variant is not expected to disrupt SETD5 protein function with a negative predictive value of 80%. In summary, the available evidence is currently insufficient to determine the role of this variant in disease. Therefore, it has been classified as a Variant of Uncertain Significance.

NM_001080517.3(SETD5):c.2089C>A (p.Pro697Thr)

Gene: SETD5 (SET domain containing 5; plus strand). Cytogenetic location: 3p25.3.
Variant type: single nucleotide variant.
Coding change: c.2089C>A on transcript NM_001080517.3 (MANE Select); coding-DNA position 2089, C replaced by A.
Protein change: p.Pro697Thr; replaces proline 697 with threonine.
Molecular consequence: missense variant.
Genome position (GRCh38, 1-based): chr3:9,447,992, C>A. VCF-style: chr3-9447992-C-A. GRCh37 (hg19) VCF-style: chr3-9489676-C-A.
Other names: c.1795C>A, p.Pro599Thr (NM_001292043.2, NM_001349451.2); short protein forms P599T, P697T.
Identifiers: ClinVar variation 1207774 (VCV001207774.9), dbSNP rs1239182101, ClinGen allele CA351700101.